The following is an entry in ClinVar:

ClinVar aggregate classification (germline): Uncertain significance. Review status: criteria provided, multiple submitters, no conflicts (2 of 4 stars). 2 submissions from 2 submitters: Uncertain significance (2). Last evaluated 2024-02-02.

Allele frequency attached by ClinVar (database versions not stated): gnomAD 0.00003 and 0.00004; TOPMed 0.00003.
gnomAD v4.1: 25 of 1,613,986 alleles (0.0015%); highest among the groups gnomAD compares: African/African-American, 0.0067%; no homozygotes.

Submissions (2):

Ambry Genetics
Classification: Uncertain significance. Last evaluated: 2024-02-02. Review status: criteria provided, single submitter. Criteria: Ambry Variant Classification Scheme 2023. Collection method: clinical testing. Allele origin: germline.

Labcorp Genetics (formerly Invitae), Labcorp
Classification: Uncertain significance. Last evaluated: 2023-04-19. Review status: criteria provided, single submitter. Criteria: Invitae Variant Classification Sherloc (09022015). Collection method: clinical testing. Allele origin: germline.
Comment: In summary, the available evidence is currently insufficient to determine the role of this variant in disease. Therefore, it has been classified as a Variant of Uncertain Significance. An algorithm developed to predict the effect of missense changes on protein structure and function (PolyPhen-2) suggests that this variant is likely to be disruptive. ClinVar contains an entry for this variant (Variation ID: 1479427). This variant has not been reported in the literature in individuals affected with MRPS23-related conditions. This variant is present in population databases (no rsID available, gnomAD 0.004%). This sequence change replaces arginine, which is basic and polar, with tryptophan, which is neutral and slightly polar, at codon 98 of the MRPS23 protein (p.Arg98Trp).

NM_016070.4(MRPS23):c.292C>T (p.Arg98Trp)

Gene: MRPS23 (mitochondrial ribosomal protein S23; minus strand). Cytogenetic location: 17q22.
Variant type: single nucleotide variant.
Coding change: c.292C>T on transcript NM_016070.4 (MANE Select); coding-DNA position 292, C replaced by T.
Protein change: p.Arg98Trp; replaces arginine 98 with tryptophan.
Molecular consequence: missense variant.
Genome position (GRCh38, 1-based): chr17:57,841,184, G>A on the plus strand (C>T on the coding strand, the complement: MRPS23 is on the minus strand). VCF-style: chr17-57841184-G-A. GRCh37 (hg19) VCF-style: chr17-55918545-G-A.
Other names: c.292C>T (NM_016070.3); short protein forms R98W.
Identifiers: ClinVar variation 1479427 (VCV001479427.7), dbSNP rs948939483, ClinGen allele CA291926993.
Genomic context (GRCh38, chr17:57,841,184, plus strand): 5'-TGGATAACAAAATCCTTAAAAAATAATATGAATAGCCTAGGACTTATAAAATGGCTTACC[G>A]TTGACAGGTAGACTTGAAGTTTGGATTGAATAGATCAAAAGCTCTTTGACCAGACCCATA-3'
Protein context (NP_057154.2, residues 88-108): FNPNFKSTCQ[Arg98Trp]FVEKYTELQK